The following is an entry in ClinVar:

NM_000041.4(APOE):c.651C>T (p.Ala217=)

Gene: APOE (apolipoprotein E; plus strand). Cytogenetic location: 19q13.32.
Variant type: single nucleotide variant.
Coding change: c.651C>T on transcript NM_000041.4 (MANE Select); coding-DNA position 651, C replaced by T.
Protein change: p.Ala217=; no amino-acid change (alanine 217 retained).
Molecular consequence: synonymous variant.
Genome position (GRCh38, 1-based): chr19:44,908,947, C>T. VCF-style: chr19-44908947-C-T. GRCh37 (hg19) VCF-style: chr19-45412204-C-T.
Other names: p.Ala217=; c.729C>T, p.Ala243= (NM_001302688.2); c.651C>T, p.Ala217= (NM_001302689.2, NM_001302690.2, NM_001302691.2).
Identifiers: ClinVar variation 779286 (VCV000779286.40), dbSNP rs72654468, ClinGen allele CA9506086.

ClinVar aggregate classification (germline): Benign/Likely benign. Review status: criteria provided, multiple submitters, no conflicts (2 of 4 stars). 6 submissions from 6 submitters: Benign (1); Likely benign (5). Last evaluated 2026-05-01.

Conditions:
Familial type 3 hyperlipoproteinemia. Also called: Apolipoprotein e, deficiency or defect of; Dysbetalipoproteinemia due to defect in apolipoprotein e-d; Familial hyperbeta- and prebetalipoproteinemia; Familial hypercholesterolemia with hyperlipemia; Floating-betalipoproteinemia; Hyperlipemia with familial hypercholesterolemic xanthomatosis. Identifiers: Orphanet 412, MedGen C0020479, MONDO:0018473, OMIM 617347.
Lipoprotein glomerulopathy (LPG). Identifiers: Orphanet 329481, MedGen C2673196, MONDO:0012725, OMIM 611771.
Alzheimer disease 3 (AD3). Also called: ALZHEIMER DISEASE, FAMILIAL, 3. Identifiers: Orphanet 1020, MedGen C1843013, MONDO:0011913, OMIM 607822.
Alzheimer disease 4 (AD4). Identifiers: Orphanet 1020, MedGen C1847200, MONDO:0011743, OMIM 606889.
Sea-blue histiocyte syndrome. Also called: Sea-blue histiocytosis; SEA-BLUE HISTIOCYTE DISEASE. Identifiers: Orphanet 158029, MedGen C0036489, MONDO:0010017, OMIM 269600, HP:0001982.
Alzheimer disease 2 (AD2). Also called: ALZHEIMER DISEASE ASSOCIATED WITH APOE4; ALZHEIMER DISEASE 2, LATE-ONSET. Identifiers: Orphanet 1020, MedGen C1863051, MONDO:0007089, OMIM 104310.
Age related macular degeneration 1 (ARMD1). Also called: MACULOPATHY, AGE-RELATED, 1. Identifiers: MedGen C1864205, MONDO:0011285, OMIM 603075.
Cardiovascular phenotype. Identifiers: MedGen CN230736.

Allele frequency attached by ClinVar (database versions not stated): 1000 Genomes Project 0.00060; 1000 Genomes Project 30x 0.00078; TOPMed 0.00081; gnomAD 0.00090; gnomAD exomes 0.00112; ExAC 0.00272.
gnomAD v4.1: 1,499 of 1,513,222 alleles (0.099%); highest among the groups gnomAD compares: South Asian, 0.29%; 6 homozygotes.

Submissions (6):

CeGaT Center for Human Genetics Tuebingen
Classification: Likely benign. Last evaluated: 2026-05-01. Review status: criteria provided, single submitter. Criteria: CeGaT Center For Human Genetics Tuebingen Variant Classification Criteria Version 2. Collection method: clinical testing. Allele origin: germline. Affected: yes. Observed: 4 variant alleles.
Comment: APOE: BP4, BP7

Mayo Clinic Laboratories, Mayo Clinic
Classification: Likely benign. Last evaluated: 2025-05-07. Review status: criteria provided, single submitter. Criteria: ACMG Guidelines, 2015. Collection method: clinical testing. Allele origin: germline. Observed: 3 variant alleles.
Comment: BP4, BP7

Blueprint Genetics
Classification: Likely benign. Last evaluated: 2024-11-27. Review status: criteria provided, single submitter. Criteria: ACMG Guidelines, 2015. Collection method: clinical testing. Allele origin: germline.

Ambry Genetics
Classification: Likely benign for Cardiovascular phenotype. Last evaluated: 2022-02-14. Review status: criteria provided, single submitter. Criteria: Ambry Variant Classification Scheme 2023. Collection method: clinical testing. Allele origin: germline.

Fulgent Genetics
Classification: Likely benign for Alzheimer disease 2; Sea-blue histiocyte syndrome; Age related macular degeneration 1; Alzheimer disease 4; Alzheimer disease 3; Lipoprotein glomerulopathy; Familial type 3 hyperlipoproteinemia. Last evaluated: 2021-12-01. Review status: criteria provided, single submitter. Criteria: ACMG Guidelines, 2015. Collection method: clinical testing. Allele origin: unknown.

Labcorp Genetics (formerly Invitae), Labcorp
Classification: Benign. Last evaluated: 2019-12-31. Review status: criteria provided, single submitter. Criteria: Invitae Variant Classification Sherloc (09022015). Collection method: clinical testing. Allele origin: germline.